The following is an entry in ClinVar:

ClinVar aggregate classification (germline): Uncertain significance (1 of 4 stars; one submission).

Conditions:
Very long chain acyl-CoA dehydrogenase deficiency (ACADVLD). Also called: Very Long-Chain Acyl-Coenzyme A Dehydrogenase Deficiency; VLCAD Deficiency. Identifiers: Orphanet 26793, MedGen C3887523, MONDO:0008723, OMIM 201475.

Allele frequency attached by ClinVar (database versions not stated): TOPMed below 0.00001.

Submission:

Labcorp Genetics (formerly Invitae), Labcorp
Classification: Uncertain significance for Very long chain acyl-CoA dehydrogenase deficiency. Last evaluated: 2022-06-01. Review status: criteria provided, single submitter. Criteria: Invitae Variant Classification Sherloc (09022015). Collection method: clinical testing. Allele origin: germline.
Comment: This sequence change replaces serine, which is neutral and polar, with proline, which is neutral and non-polar, at codon 22 of the ACADVL protein (p.Ser22Pro). This variant is not present in population databases (gnomAD no frequency). This variant has not been reported in the literature in individuals affected with ACADVL-related conditions. Algorithms developed to predict the effect of missense changes on protein structure and function are either unavailable or do not agree on the potential impact of this missense change (SIFT: "Tolerated"; PolyPhen-2: "Not Available"; Align-GVGD: "Class C0"). In summary, the available evidence is currently insufficient to determine the role of this variant in disease. Therefore, it has been classified as a Variant of Uncertain Significance.

NM_000018.4(ACADVL):c.64T>C (p.Ser22Pro)

Genes: ACADVL (acyl-CoA dehydrogenase very long chain; plus strand), LOC130060113 (ATAC-STARR-seq lymphoblastoid silent region 8088; plus strand). Cytogenetic location: 17p13.1.
Variant type: single nucleotide variant.
Coding change: c.64T>C on transcript NM_000018.4 (MANE Select); coding-DNA position 64, T replaced by C.
Protein change: p.Ser22Pro; replaces serine 22 with proline.
Molecular consequence: missense variant. On other transcripts: 5 prime UTR variant (1).
Genome position (GRCh38, 1-based): chr17:7,220,123, T>C. VCF-style: chr17-7220123-T-C. GRCh37 (hg19) VCF-style: chr17-7123442-T-C.
Other names: c.64T>C, p.Ser22Pro (NM_001033859.3); c.133T>C, p.Ser45Pro (NM_001270447.2); c.-165T>C (NM_001270448.2); short protein forms S22P, S45P.
Identifiers: ClinVar variation 2156949 (VCV002156949.1), dbSNP rs1950796544, ClinGen allele CA397722025.